The following is an entry in ClinVar:

NM_006009.4(TUBA1A):c.3+3del

Gene: TUBA1A (tubulin alpha 1a; minus strand). Cytogenetic location: 12q13.12.
Variant type: Deletion.
Coding change: c.3+3del on transcript NM_006009.4 (MANE Select); 3 bases into the intron after coding-DNA position 3, one base deleted (G; older notation c.3+3delG).
Molecular consequence: intron variant. On other transcripts: 5 prime UTR variant (2).
Genome position (GRCh38, 1-based): chr12:49,188,974, C deleted on the plus strand (G on the coding strand, the reverse complement: TUBA1A is on the minus strand). VCF-style (leftmost placement, unchanged base first): chr12-49188973-TC-T. GRCh37 (hg19) VCF-style: chr12-49582756-TC-T.
Other names: c.3+3delG (NM_006009.3); c.-555del (NM_001270399.2); c.-188del (NM_001270400.2).
Identifiers: ClinVar variation 1064595 (VCV001064595.4), dbSNP rs2121256921, ClinGen allele CA1139532828.

ClinVar aggregate classification (germline): Likely pathogenic. Review status: criteria provided, multiple submitters, no conflicts (2 of 4 stars). 2 submissions from 2 submitters: Likely pathogenic (2). Last evaluated 2020-10-19.

Conditions:
Lissencephaly due to TUBA1A mutation (CDCBM16). Also called: CORTICAL DYSPLASIA, COMPLEX, WITH OTHER BRAIN MALFORMATIONS 16; Lissencephaly 3. Identifiers: Orphanet 171680, MedGen C4305153, MONDO:0012703, OMIM 611603.

Submissions (2):

Victorian Clinical Genetics Services, Murdoch Childrens Research Institute
Classification: Likely pathogenic for Lissencephaly due to TUBA1A mutation. Last evaluated: 2020-10-19. Review status: criteria provided, single submitter. Criteria: ACMG Guidelines, 2015. Collection method: clinical testing. Allele origin: germline. Inheritance: Autosomal dominant inheritance. Affected: yes.
Comment: Based on the classification scheme VCGS_Germline_v1.1.1, this variant is classified as Likely Pathogenic. Following criteria are met: 0102 - Loss-of-function is a known mechanism of disease for this gene. (N) 0104 - Dominant Negative is a mechanism of disease for this gene. (N) 0107 - This gene is known to be associated with autosomal dominant disease. (N) 0209 - Splice variant (canonical or non-canonical) proven to affect splicing/expression of the transcript with uncertain effect on protein structure. RT-PCR studies have shown that this variant results in loss of the main isoform in brain and the use of an alternative criptic site. This is predicted to result in a deletion of the first 35 residues of the protein, p.(Met1_Gln35del) (personal communication). (P) 0251 - Variant is heterozygous. (N) 0301 - Variant is absent from gnomAD. (P) 0309 - A nucleotide change at the same position has been observed in gnomAD (2 heterozygous, 0 homozygous). (N) 0508 - In silico predictions for abnormal splicing are conflicting. (N) 0705 - No comparable variants have previous evidence for pathogenicity. (N) 0807 - Variant has not previously been reported in a clinical context. (N) 0905 - No segregation evidence has been identified for this variant. (N) 1007 - No published functional evidence has been identified for this variant. (P) Legend: (P) - Pathogenic, (N) - Neutral, (B) - Benign

Kids Neuroscience Centre, Sydney Children's Hospitals Network
Classification: Likely pathogenic for Lissencephaly due to TUBA1A mutation. Review status: criteria provided, single submitter. Criteria: Bournazos AM et al. (Genet Med 2021). Collection method: clinical testing. Allele origin: de novo. Inheritance: Autosomal dominant inheritance. Affected: yes. Observed: 1 heterozygote.
Comment: The vast majority of transcripts derived from c.3+3del variant allele use the least frequently utilized 5’-splice site at Chr12:g.49582671 for exon 1-2 splicing, removing 35 highly conserved amino acids from the N-terminus of tubulin alpha 1-A chain (Figure 6). The overall consequence of the c.3+3del variant is loss of expression of the predominant TUBA1A isoform expressed in brain and all tissues examined, which is likely to be associated with haploinsufficiency of the predominant isoform of Tubulin alpha-1A chain. It is clear the encoded 35 residues encoded in this isoform are functionally important, with 7 of these 35 amino acids are classified as pathogenic variants associated with lissencephaly in ClinVar or LOVD.